The following is an entry in ClinVar:

ClinVar aggregate classification (germline): Likely benign. Review status: criteria provided, single submitter (1 of 4 stars). 2 submissions from 2 submitters: Likely benign (1). 1 of the submissions does not count toward it. Last evaluated 2025-11-12.

Conditions:
KMT2D-related disorder. Also called: KMT2D-Related Disorders.
Kabuki syndrome. Also called: NIIKAWA-KUROKI SYNDROME; Kabuki make-up syndrome. Identifiers: Orphanet 2322, MedGen C0796004, MONDO:0016512.

Allele frequency attached by ClinVar (database versions not stated): ExAC 0.00001; gnomAD exomes 0.00002 and 0.00003; TOPMed 0.00003; gnomAD 0.00005 and 0.00006; 1000 Genomes Project 0.00020; 1000 Genomes Project 30x 0.00031.
gnomAD v4.1: 32 of 1,611,872 alleles (0.002%); highest among the groups gnomAD compares: African/African-American, 0.018%; no homozygotes.

Submissions (2):

Labcorp Genetics (formerly Invitae), Labcorp
Classification: Likely benign for Kabuki syndrome. Last evaluated: 2025-11-12. Review status: criteria provided, single submitter. Criteria: Invitae Variant Classification Sherloc (09022015). Collection method: clinical testing. Allele origin: germline.

PreventionGenetics, part of Exact Sciences
Classification: Likely benign for KMT2D-related condition. Last evaluated: 2024-05-14. Review status: no assertion criteria provided. Collection method: clinical testing. Allele origin: germline. Not counted in ClinVar's aggregate classification.
Comment: This variant is classified as likely benign based on ACMG/AMP sequence variant interpretation guidelines (Richards et al. 2015 PMID: 25741868, with internal and published modifications).

NM_003482.4(KMT2D):c.1569G>A (p.Pro523=)

Gene: KMT2D (lysine methyltransferase 2D; minus strand). Cytogenetic location: 12q13.12.
Variant type: single nucleotide variant.
Coding change: c.1569G>A on transcript NM_003482.4 (MANE Select); coding-DNA position 1569, G replaced by A.
Protein change: p.Pro523=; no amino-acid change (proline 523 retained).
Molecular consequence: synonymous variant.
Genome position (GRCh38, 1-based): chr12:49,052,114, C>T on the plus strand (G>A on the coding strand, the complement: KMT2D is on the minus strand). VCF-style: chr12-49052114-C-T. GRCh37 (hg19) VCF-style: chr12-49445897-C-T.
Identifiers: ClinVar variation 698191 (VCV000698191.9), dbSNP rs568575580, ClinGen allele CA6548457.